The following is an entry in ClinVar:

NM_001282680.3(GAPVD1):c.1021C>T (p.Leu341=)

Gene: GAPVD1 (GTPase activating protein and VPS9 domains 1; plus strand). Cytogenetic location: 9q33.3.
Variant type: single nucleotide variant.
Coding change: c.1021C>T on transcript NM_001282680.3 (MANE Select); coding-DNA position 1021, C replaced by T.
Protein change: p.Leu341=; no amino-acid change (leucine 341 retained).
Molecular consequence: synonymous variant. On other transcripts: non-coding transcript variant (2).
Genome position (GRCh38, 1-based): chr9:125,302,818, C>T. VCF-style: chr9-125302818-C-T. GRCh37 (hg19) VCF-style: chr9-128065097-C-T.
Other names: c.1021C>T, p.Leu341= (NM_001282679.2, NM_001282681.3, NM_001330777.3 and 11 more transcripts).
Identifiers: ClinVar variation 3035149 (VCV003035149.2), dbSNP rs138640842, ClinGen allele CA5240031.

ClinVar aggregate classification (germline): Likely benign (0 of 4 stars; one submission).

Conditions:
GAPVD1-related disorder. Also called: GAPVD1-related condition.

Allele frequency attached by ClinVar (database versions not stated): ESP Exome Variant Server 0.00008; TOPMed 0.00008; 1000 Genomes Project 30x 0.00062; ExAC 0.00067; 1000 Genomes Project 0.00080.
gnomAD v4.1: 507 of 1,596,292 alleles (0.032%); highest among the groups gnomAD compares: South Asian, 0.47%; 6 homozygotes.

Submission:

PreventionGenetics, part of Exact Sciences
Classification: Likely benign for GAPVD1-related condition. Last evaluated: 2020-01-10. Review status: no assertion criteria provided. Collection method: clinical testing. Allele origin: germline.
Comment: This variant is classified as likely benign based on ACMG/AMP sequence variant interpretation guidelines (Richards et al. 2015 PMID: 25741868, with internal and published modifications).